The following is an entry in ClinVar:

ClinVar aggregate classification (germline): Benign (1 of 4 stars; one submission).

Conditions:
Pheochromocytoma/paraganglioma syndrome 1. Also called: PARAGANGLIOMAS, FAMILIAL NONCHROMAFFIN, 1; PGL 1; Paragangliomas familial 1; PARAGANGLIOMATA; Paragangliomas 1; Glomus tumors familial 1. Identifiers: Orphanet 29072, MedGen C3494181, MONDO:0008192, OMIM 168000.

Submission:

Myriad Genetics, Inc.
Classification: Benign for Pheochromocytoma/paraganglioma syndrome 1. Last evaluated: 2025-03-17. Review status: criteria provided, single submitter. Criteria: Myriad Autosomal Dominant, Autosomal Recessive and X-Linked Classification Criteria (2023). Collection method: clinical testing. Allele origin: unknown.
Comment: This variant is considered benign. This variant is a silent/synonymous amino acid change and it is not expected to impact splicing.

NM_003002.4(SDHD):c.30T>A (p.Val10=)

Genes: SDHD (succinate dehydrogenase complex subunit D; plus strand), LOC126861339 (BRD4-independent group 4 enhancer GRCh37_chr11:111957035-111958234; plus strand). Cytogenetic location: 11q23.1.
Variant type: single nucleotide variant.
Coding change: c.30T>A on transcript NM_003002.4 (MANE Select); coding-DNA position 30, T replaced by A.
Protein change: p.Val10=; no amino-acid change (valine 10 retained).
Molecular consequence: synonymous variant. On other transcripts: non-coding transcript variant (1).
Genome position (GRCh38, 1-based): chr11:112,086,937, T>A. VCF-style: chr11-112086937-T-A. GRCh37 (hg19) VCF-style: chr11-111957661-T-A.
Other names: c.30T>A, p.Val10= (NM_001276503.2, NM_001276504.2, NM_001276506.2).
Identifiers: ClinVar variation 3904591 (VCV003904591.1).
Genomic context (GRCh38, chr11:112,086,937, plus strand): 5'-TGGTGGATGACCTTGAGCCCTCAGGAACGAGATGGCGGTTCTCTGGAGGCTGAGTGCCGT[T>A]TGCGGTGCCCTAGGAGGCCGAGGTGAGGGGTCTTCCCACCCTGAGGTGCTTAGCGTAGCC-3'
Protein context (NP_002993.1, residues 1-20): MAVLWRLSA[Val10=]CGALGGRALL